The following continues an entry in ClinVar:

NM_000218.3(KCNQ1):c.1085A>G (p.Lys362Arg)

Gene: KCNQ1. ClinVar aggregate classification (germline): Pathogenic/Likely pathogenic. Pathogenic (5); Likely pathogenic (20).

Submissions 14 to 26 of 26:

New York Genome Center
Classification: Likely pathogenic for Long QT syndrome 1; Short QT syndrome type 2; Atrial fibrillation, familial, 3; Jervell and Lange-Nielsen syndrome 1. Last evaluated: 2023-07-18. Review status: criteria provided, single submitter. Criteria: NYGC Assertion Criteria 2020. Collection method: clinical testing. Allele origin: germline. Observed: 2 heterozygotes. Clinical features observed: Cardiomyopathy (HP:0001638), Hyperlipidemia (HP:0003077).
Comment: The c.1085A>G p.(Lys362Arg) variant identified in the KCNQ1 gene has previously been reported in the literature in at least 6 individuals with long QT syndrome [PMID: 34798354]. This variant has also been reported at the compound heterozygous state in 3 unrelated individuals with autosomal recessive Jervell-Lange-Nielsen syndrome; one heterozygous carrier was reported with QT prolongation on ECG, whereas another carrier had a normal QT interval [PMID: 15781747; 23392653]. This variant has been reported in ClinVar [ClinVar ID: 52953] as Variant of Uncertain Significance (2 submissions), Likely Pathogenic (8 submissions) or Pathogenic (3 submissions). The c.1085A>G variant is observed in 9 alleles (~0.003 % minor allele frequency with 0 homozygotes) in population databases (gnomAD v2.1.1 and v3.1.2, TOPMed Freeze 8), suggesting it is not a common benign variant in the populations represented in those databases. The c.1085A>G p.(Lys362Arg) variant in KCNQ1 is located in exon 8 of this 16-exon gene, and predicted to replace an evolutionarily conserved lysine amino acid with arginine at position 362 in the c-terminal region of the encoded protein. Functional studies have shown that this missense variant affects the potassium channel regulation in renal ciliogenesis and that is involved in anionic phospholipids binding. However, these studies are not conclusive regarding the potential effect of this variant on the cardiac ion channel [PMID: 21084310, 24947509, 26546361]. In silico predictions are in favor of damaging effect for KCNQ1 p.(Lys362Arg) [REVEL = 0.964)]. Variants nearby p.(Lys362Arg) residue within the C-terminus domain have been reported in the literature in association with long QT syndrome [PMID:19716085, 34505893,] and ClinVar [ClinVar ID: 52955]. Based on available evidence this c.1085A>G p.(Lys362Arg) variant identified in the KCNQ1 gene is reported as Likely Pathogenic.

Baylor Genetics
Classification: Likely pathogenic for Long QT syndrome 1. Last evaluated: 2023-03-28. Review status: criteria provided, single submitter. Criteria: ACMG Guidelines, 2015. Collection method: clinical testing. Allele origin: unknown.

Molecular Diagnostic Laboratory for Inherited Cardiovascular Disease, Montreal Heart Institute
Classification: Pathogenic for Cardiovascular phenotype. Last evaluated: 2022-05-31. Review status: criteria provided, single submitter. Criteria: ACMG Guidelines, 2015. Collection method: clinical testing. Allele origin: germline. Affected: yes.

Revvity Omics, Revvity
Classification: Pathogenic. Last evaluated: 2021-09-22. Review status: criteria provided, single submitter. Criteria: ACMG Guidelines, 2015. Collection method: clinical testing. Allele origin: germline.

Mayo Clinic Laboratories, Mayo Clinic
Classification: Likely pathogenic. Last evaluated: 2021-03-31. Review status: criteria provided, single submitter. Criteria: ACMG Guidelines, 2015. Collection method: clinical testing. Allele origin: germline.

Laboratory for Molecular Medicine, Mass General Brigham Personalized Medicine
Classification: Likely pathogenic for Familial long QT syndrome. Last evaluated: 2020-07-03. Review status: criteria provided, single submitter. Criteria: LMM Criteria. Collection method: clinical testing. Allele origin: germline. Inheritance: Autosomal dominant inheritance. Observed: 9 variant alleles.
Comment: The p.Lys362Arg variant in KCNQ1 has been reported in the heterozygous state in at least 4 individuals with long QT syndrome (LQTS), in the compound heterozygous state with another well-established pathogenic variant in 2 individuals with an early-onset, more severe LQTS phenotype without hearing loss and segregated with prolonged QT in 2 affected relatives from 2 families (Kapa 2009 PMID: 19841300, Guidicessi 2012 PMID: 22949429, Giudicessi 2013 PMID: 23392653, GeneDx pers. comm., Invitae pers. comm., LMM data). It has also been reported in the compound heterozygous state in 1 individual with Jervell-Lange-Nielsen syndrome (JLNS; Darbar 2005 PMID: 15781747). Additionally, it has been identified in at least 5 individuals that have been referred for long QT syndrome (LQTS) testing; however, their detailed clinical information was not available (Tester 2005 PMID: 15840476, Kapplinger 2009 PMID: 19716085). This variant has been reported by other clinical laboratories in ClinVar (Variation ID: 52953) and has been identified in 0.008% (9/113664) of European chromosomes by gnomAD. In vitro functional studies provide some evidence that the p.Lys362Arg variant may impact the protein (Slaats 2015 PMID: 26546361, Eckey 2014 PMID: 24947509) and computational prediction tools and conservation analysis suggest that the p.Lys362Arg variant may impact the protein. In summary, although additional studies are required to fully establish its clinical significance, the p.Lys362Arg variant is likely pathogenic for autosomal dominant LQTS. In the presence of another pathogenic variant in trans (on the other copy of the KCNQ1 gene), this variant may also cause a more severe form of LQTS with an earlier age of onset. ACMG/AMP Criteria applied: PM3_Strong; PP3; PS3_Supporting.

Division Of Personalized Genomic Medicine, Columbia University Irving Medical Center
Classification: Likely pathogenic for Long QT syndrome 1; Atrial fibrillation, familial, 3; Short QT syndrome type 2. Last evaluated: 2019-11-27. Review status: criteria provided, single submitter. Criteria: ACMG Guidelines, 2015. Collection method: clinical testing. Allele origin: germline. Inheritance: Autosomal dominant inheritance. Observed: 1 heterozygote.
Comment: The p.Lys362Arg variant in the KCNQ1 gene is a heterozygous missense variant, which results in the substitution of the highly conserved lysine residue at the 362 position to arginine. This variant localizes to coding exon 8 of the KCNQ1 gene and is within the helical transmembrane region of the protein. This variant is predicted to be deleterious and damaging to protein structure and/or function based on in silico analyses (damaging by SIFT, probably damaging by PolyPhen2).This variant has been observed in the Genome Aggregation Database (gnomAD) at a very low frequency (10/251,350), indicating it is not a common benign variant in the populations represented in this database. This variant has been reported in the heterozygous state in individuals with LQTS (PMIDs: 15840476, 19841300, 19716085, 22949429, and 27831900). This variant has also been seen in the compound heterozygous state in three individuals with autosomal recessive JLNS with or without hearing loss ((PMIDs: 23392653 and 15781747).

HudsonAlpha Institute for Biotechnology
Classification: Likely pathogenic for Long QT syndrome 1. Last evaluated: 2019-06-27. Review status: criteria provided, single submitter. Criteria: ACMG Guidelines, 2015. Collection method: research. Allele origin: unknown. Observed: 1 variant allele. Study: AGHI_GT.

Center for Personalized Medicine, Children's Hospital Los Angeles
Classification: Likely pathogenic. Last evaluated: 2018-11-19. Review status: criteria provided, single submitter. Criteria: ACMG Guidelines, 2015. Collection method: clinical testing. Allele origin: germline. Affected: yes.

Fulgent Genetics
Classification: Pathogenic for Beckwith-Wiedemann syndrome; Long QT syndrome 1; Jervell and Lange-Nielsen syndrome 1; Atrial fibrillation, familial, 3; Short QT syndrome type 2. Last evaluated: 2018-10-31. Review status: criteria provided, single submitter. Criteria: ACMG Guidelines, 2015. Collection method: clinical testing. Allele origin: unknown.

Stanford Center for Inherited Cardiovascular Disease, Stanford University
Classification: Likely pathogenic. Last evaluated: 2014-11-06. Review status: criteria provided, single submitter. Criteria: ACMG Guidelines, 2015. Collection method: provider interpretation. Allele origin: germline.

Rady Children's Institute for Genomic Medicine, Rady Children's Hospital San Diego
Classification: Likely pathogenic for KCNQ1-related disorders. Review status: criteria provided, single submitter. Criteria: ACMG Guidelines, 2015. Collection method: clinical testing. Allele origin: germline. Affected: yes.
Comment: This variant has been previously reported as a heterozygous change in several unrelated individuals affected with long QT syndrome (PMID: 15840476, 22949429). It has also been reported in the compound heterozygous state in 1 individual with Jervell-Lange-Nielsen syndrome (PMID: 15781747). Missense variation is an established mechanism of disease for KCNQ1-related disorders (HGMD). Experimental studies have shown that the presence of this variant leads to an abnormal KCNQ1 channel (PMID: 24947509, 26546361). The c.1085A>G (p.Lys362Arg) variant is present in the heterozygous state in the gnomAD population database at a frequency of 0.004% (10/251350) and thus is presumed to be rare. The c.1085A>G (p.Lys362Arg) variant affects a highly conserved amino acid and is predicted by multiple in silico tools to have a deleterious effect on protein function. Based on the available evidence, the c.1085A>G (p.Lys362Arg) variant is classified as Likely Pathogenic.

Cardiovascular Biomedical Research Unit, Royal Brompton & Harefield NHS Foundation Trust
No classification provided. Condition: Familial long QT syndrome. Review status: no classification provided. Collection method: literature only. Allele origin: germline. Not counted in ClinVar's aggregate classification.
Comment: This variant has been reported as associated with Long QT syndrome in the following publications (PMID:15840476;PMID:19716085;PMID:19841300). This is a literature report, and does not necessarily reflect the clinical interpretation of the Imperial College / Royal Brompton Cardiovascular Genetics laboratory.

Literature cited by the submitters: PubMed 15781747 (cited by 7 submitters); PubMed 15840476 (cited by 9 submitters); PubMed 19716085 (cited by 8 submitters); PubMed 19841300 (cited by 7 submitters); PubMed 22949429 (cited by 7 submitters); PubMed 23392653 (cited by 7 submitters); PubMed 23631430 (cited by Ambry Genetics); PubMed 32546831 (cited by Ambry Genetics); PubMed 34135346 (cited by 4 submitters); PubMed 36136372 (cited by Ambry Genetics); PubMed 24947509 (cited by 6 submitters); PubMed 26546361 (cited by 5 submitters); PubMed 32893267 (cited by Color Diagnostics, LLC DBA Color Health and All of Us Research Program, National Institutes of Health); PubMed 34404389 (cited by Color Diagnostics, LLC DBA Color Health); PubMed 35352813 (cited by 3 submitters); PubMed 36102233 (cited by Color Diagnostics, LLC DBA Color Health); PubMed 38489124 (cited by Color Diagnostics, LLC DBA Color Health); PubMed 25854863 (cited by Women's Health and Genetics/Laboratory Corporation of America, LabCorp); PubMed 27831900 (cited by 5 submitters); PubMed 19632626 (cited by Victorian Clinical Genetics Services, Murdoch Childrens Research Institute); PubMed 20301308 (cited by Victorian Clinical Genetics Services, Murdoch Childrens Research Institute); PubMed 28438721 (cited by Victorian Clinical Genetics Services, Murdoch Childrens Research Institute); PubMed 34798354 (cited by New York Genome Center); PubMed 31447099 (cited by Mayo Clinic Laboratories, Mayo Clinic); PubMed 1984130 (cited by Mayo Clinic Laboratories, Mayo Clinic); PubMed 2654361 (cited by Mayo Clinic Laboratories, Mayo Clinic); PubMed 22581653 (cited by Cardiovascular Biomedical Research Unit, Royal Brompton & Harefield NHS Foundation Trust).